The following is an entry in ClinVar:

NM_015721.3(GEMIN4):c.3127G>A (p.Gly1043Ser)

Gene: GEMIN4 (gem nuclear organelle associated protein 4; minus strand). Cytogenetic location: 17p13.3.
Variant type: single nucleotide variant.
Coding change: c.3127G>A on transcript NM_015721.3 (MANE Select); coding-DNA position 3127, G replaced by A.
Protein change: p.Gly1043Ser; replaces glycine 1043 with serine.
Molecular consequence: missense variant.
Genome position (GRCh38, 1-based): chr17:744,916, C>T on the plus strand (G>A on the coding strand, the complement: GEMIN4 is on the minus strand). VCF-style: chr17-744916-C-T. GRCh37 (hg19) VCF-style: chr17-648156-C-T.
Other names: short protein forms G1043S.
Identifiers: ClinVar variation 2647165 (VCV002647165.26), dbSNP rs180894698, ClinGen allele CA8262288.

ClinVar aggregate classification (germline): Conflicting classifications of pathogenicity. Review status: criteria provided, conflicting classifications (1 of 4 stars). 3 submissions from 3 submitters: Uncertain significance (1); Likely benign (1). 1 of the submissions does not count toward it. Last evaluated 2023-12-18.

Conditions:
GEMIN4-related disorder. Also called: GEMIN4-related condition.

Allele frequency attached by ClinVar (database versions not stated): gnomAD exomes 0.00024; ExAC 0.00079; gnomAD 0.00227; ESP Exome Variant Server 0.00236; TOPMed 0.00249; 1000 Genomes Project 0.00280; 1000 Genomes Project 30x 0.00328.
gnomAD v4.1: 711 of 1,613,608 alleles (0.044%); highest among the groups gnomAD compares: African/African-American, 0.83%; 7 homozygotes.

Submissions (3):

GeneDx
Classification: Uncertain significance. Last evaluated: 2023-12-18. Review status: criteria provided, single submitter. Criteria: GeneDx Variant Classification Process June 2021. Collection method: clinical testing. Allele origin: germline. Affected: yes.
Comment: In silico analysis supports that this missense variant does not alter protein structure/function; Has not been previously published as pathogenic or benign to our knowledge

CeGaT Center for Human Genetics Tuebingen
Classification: Likely benign. Last evaluated: 2023-05-01. Review status: criteria provided, single submitter. Criteria: CeGaT Center For Human Genetics Tuebingen Variant Classification Criteria Version 2. Collection method: clinical testing. Allele origin: germline. Affected: yes. Observed: 1 variant allele.
Comment: GEMIN4: BP4, BS2

PreventionGenetics, part of Exact Sciences
Classification: Benign for GEMIN4-related condition. Last evaluated: 2019-05-28. Review status: no assertion criteria provided. Collection method: clinical testing. Allele origin: germline. Not counted in ClinVar's aggregate classification.
Comment: This variant is classified as benign based on ACMG/AMP sequence variant interpretation guidelines (Richards et al. 2015 PMID: 25741868, with internal and published modifications).